The following is an entry in ClinVar:

ClinVar aggregate classification (germline): Uncertain significance. Review status: criteria provided, multiple submitters, no conflicts (2 of 4 stars). 2 submissions from 2 submitters: Uncertain significance (2). Last evaluated 2026-07-20.

Allele frequency attached by ClinVar (database versions not stated): gnomAD exomes 0.00023 and 0.00014; ExAC 0.00026; gnomAD 0.00029 and 0.00015; ESP Exome Variant Server 0.00025; TOPMed 0.00031.
gnomAD v4.1: 237 of 1,598,270 alleles (0.015%); highest among the groups gnomAD compares: Non-Finnish European, 0.016%; no homozygotes.

Submissions (2):

GeneDx
Classification: Uncertain significance. Last evaluated: 2026-07-20. Review status: criteria provided, single submitter. Criteria: GeneDx Variant Classification Process June 2021. Collection method: clinical testing. Allele origin: germline.
Comment: In silico analysis suggests that this missense variant does not alter protein structure/function; Has not been previously published as pathogenic or benign to our knowledge

Labcorp Genetics (formerly Invitae), Labcorp
Classification: Uncertain significance. Last evaluated: 2025-04-10. Review status: criteria provided, single submitter. Criteria: Invitae Variant Classification Sherloc (09022015). Collection method: clinical testing. Allele origin: germline.
Comment: This sequence change replaces serine, which is neutral and polar, with asparagine, which is neutral and polar, at codon 1514 of the OTOGL protein (p.Ser1514Asn). This variant is present in population databases (rs200404819, gnomAD 0.05%). This variant has not been reported in the literature in individuals affected with OTOGL-related conditions. ClinVar contains an entry for this variant (Variation ID: 1441955). An algorithm developed to predict the effect of missense changes on protein structure and function outputs the following: PolyPhen-2: "Benign". The asparagine amino acid residue is found in multiple mammalian species, which suggests that this missense change does not adversely affect protein function. In summary, the available evidence is currently insufficient to determine the role of this variant in disease. Therefore, it has been classified as a Variant of Uncertain Significance.

NM_001378609.3(OTOGL):c.4568G>A (p.Ser1523Asn)

Gene: OTOGL (otogelin like; plus strand). Cytogenetic location: 12q21.31.
Variant type: single nucleotide variant.
Coding change: c.4568G>A on transcript NM_001378609.3 (MANE Select); coding-DNA position 4568, G replaced by A.
Protein change: p.Ser1523Asn; replaces serine 1523 with asparagine.
Molecular consequence: missense variant.
Genome position (GRCh38, 1-based): chr12:80,336,108, G>A. VCF-style: chr12-80336108-G-A. GRCh37 (hg19) VCF-style: chr12-80729888-G-A.
Other names: c.4541G>A (NM_173591.3); c.4433G>A, p.Ser1478Asn (NM_001368062.3); c.4568G>A, p.Ser1523Asn (NM_001378610.3, NM_173591.7); short protein forms S1523N, S1478N.
Identifiers: ClinVar variation 1441955 (VCV001441955.7), dbSNP rs200404819, ClinGen allele CA6701419.
Genomic context (GRCh38, chr12:80,336,108, plus strand): 5'-GCCCAAAGGACGTGGAAATGCCTGACTGTGGTTTCCGAGGAAGGCCAGTTCAAGTGAACA[G>A]TGATATCTGCTGCCCTGAGTGGGAATGTCCTTGTAAGTTTGCATTTCTTAAGCGGTGATC-3'
Protein context (NP_001365538.2, residues 1513-1533): GFRGRPVQVN[Ser1523Asn]DICCPEWECP